The following is an entry in ClinVar:

ClinVar aggregate classification (germline): Uncertain significance (1 of 4 stars; one submission).

Allele frequency attached by ClinVar (database versions not stated): gnomAD 0.00001; gnomAD exomes 0.00001.
gnomAD v4.1: 8 of 1,611,882 alleles (0.0005%); highest among the groups gnomAD compares: Non-Finnish European, 0.00068%; no homozygotes.

Submission:

Labcorp Genetics (formerly Invitae), Labcorp
Classification: Uncertain significance. Last evaluated: 2025-04-28. Review status: criteria provided, single submitter. Criteria: Invitae Variant Classification Sherloc (09022015). Collection method: clinical testing. Allele origin: germline.
Comment: This sequence change replaces proline, which is neutral and non-polar, with serine, which is neutral and polar, at codon 63 of the PNLIP protein (p.Pro63Ser). This variant is present in population databases (no rsID available, gnomAD 0.007%). This variant has not been reported in the literature in individuals affected with PNLIP-related conditions. ClinVar contains an entry for this variant (Variation ID: 2891097). Invitae Evidence Modeling of protein sequence and biophysical properties (such as structural, functional, and spatial information, amino acid conservation, physicochemical variation, residue mobility, and thermodynamic stability) indicates that this missense variant is not expected to disrupt PNLIP protein function with a negative predictive value of 80%. In summary, the available evidence is currently insufficient to determine the role of this variant in disease. Therefore, it has been classified as a Variant of Uncertain Significance.

NM_000936.4(PNLIP):c.187C>T (p.Pro63Ser)

Gene: PNLIP (pancreatic lipase; plus strand). Cytogenetic location: 10q25.3.
Variant type: single nucleotide variant.
Coding change: c.187C>T on transcript NM_000936.4 (MANE Select); coding-DNA position 187, C replaced by T.
Protein change: p.Pro63Ser; replaces proline 63 with serine.
Molecular consequence: missense variant.
Genome position (GRCh38, 1-based): chr10:116,547,434, C>T. VCF-style: chr10-116547434-C-T. GRCh37 (hg19) VCF-style: chr10-118306946-C-T.
Other names: short protein forms P63S.
Identifiers: ClinVar variation 2891097 (VCV002891097.2), dbSNP rs1168844690, ClinGen allele CA378490553.